The following is an entry in ClinVar:

NM_006230.4(POLD2):c.1309G>A (p.Ala437Thr)

Gene: POLD2 (DNA polymerase delta 2, accessory subunit; minus strand). Cytogenetic location: 7p13.
Variant type: single nucleotide variant.
Coding change: c.1309G>A on transcript NM_006230.4 (MANE Select); coding-DNA position 1309, G replaced by A.
Protein change: p.Ala437Thr; replaces alanine 437 with threonine.
Molecular consequence: missense variant.
Genome position (GRCh38, 1-based): chr7:44,114,886, C>T on the plus strand (G>A on the coding strand, the complement: POLD2 is on the minus strand). VCF-style: chr7-44114886-C-T. GRCh37 (hg19) VCF-style: chr7-44154485-C-T.
Other names: c.1309G>A, p.Ala437Thr (NM_001127218.3, NM_001256879.2); c.1309G>A (NM_001127218.1); short protein forms A437T.
Identifiers: ClinVar variation 2184498 (VCV002184498.5), dbSNP rs754179845, ClinGen allele CA4238552.

ClinVar aggregate classification (germline): Uncertain significance. Review status: criteria provided, multiple submitters, no conflicts (2 of 4 stars). 2 submissions from 2 submitters: Uncertain significance (2). Last evaluated 2024-11-11.

Allele frequency attached by ClinVar (database versions not stated): gnomAD exomes 0.00002; gnomAD 0.00003; TOPMed 0.00004; 1000 Genomes Project 30x 0.00016.
gnomAD v4.1: 28 of 1,613,790 alleles (0.0017%); highest among the groups gnomAD compares: Admixed American, 0.02%; no homozygotes.

Submissions (2):

Labcorp Genetics (formerly Invitae), Labcorp
Classification: Uncertain significance. Last evaluated: 2024-11-11. Review status: criteria provided, single submitter. Criteria: Invitae Variant Classification Sherloc (09022015). Collection method: clinical testing. Allele origin: germline.
Comment: This sequence change replaces alanine, which is neutral and non-polar, with threonine, which is neutral and polar, at codon 472 of the POLD2 protein (p.Ala472Thr). This variant is present in population databases (rs754179845, gnomAD 0.009%). This variant has not been reported in the literature in individuals affected with POLD2-related conditions. ClinVar contains an entry for this variant (Variation ID: 2184498). Experimental studies and prediction algorithms are not available or were not evaluated, and the functional significance of this variant is currently unknown. In summary, the available evidence is currently insufficient to determine the role of this variant in disease. Therefore, it has been classified as a Variant of Uncertain Significance.

Ambry Genetics
Classification: Uncertain significance. Last evaluated: 2024-05-30. Review status: criteria provided, single submitter. Criteria: Ambry Variant Classification Scheme 2023. Collection method: clinical testing. Allele origin: germline.